The following is an entry in ClinVar:

NM_001267550.2(TTN):c.85434T>C (p.Asp28478=)

Genes: TTN (titin; minus strand), TTN-AS1 (TTN antisense RNA 1; plus strand). Cytogenetic location: 2q31.2.
Variant type: single nucleotide variant.
Coding change: c.85434T>C on transcript NM_001267550.2 (MANE Select); coding-DNA position 85434, T replaced by C.
Protein change: p.Asp28478=; no amino-acid change (aspartic acid 28478 retained).
Molecular consequence: synonymous variant.
Genome position (GRCh38, 1-based): chr2:178,560,698, A>G on the plus strand (T>C on the coding strand, the complement: TTN is on the minus strand). VCF-style: chr2-178560698-A-G. GRCh37 (hg19) VCF-style: chr2-179425425-A-G.
Other names: c.80511T>C, p.Asp26837= (NM_001256850.1); c.58239T>C, p.Asp19413= (NM_003319.4); c.77730T>C, p.Asp25910= (NM_133378.4); c.58614T>C, p.Asp19538= (NM_133432.3); c.58815T>C, p.Asp19605= (NM_133437.4).
Identifiers: ClinVar variation 3749255 (VCV003749255.3).

ClinVar aggregate classification (germline): Likely benign. Review status: criteria provided, multiple submitters, no conflicts (2 of 4 stars). 2 submissions from 2 submitters: Likely benign (2). Last evaluated 2026-09-01.

Conditions:
Dilated cardiomyopathy 1G (CMD1G). Identifiers: Orphanet 154, MedGen C1858763, MONDO:0011400, OMIM 604145.
Autosomal recessive limb-girdle muscular dystrophy type 2J (LGMDR10). Also called: MUSCULAR DYSTROPHY, LIMB-GIRDLE, AUTOSOMAL RECESSIVE 10; Limb-girdle muscular dystrophy, type 2J. Identifiers: Orphanet 140922, MedGen C1837342, MONDO:0012127, OMIM 608807.

gnomAD v4.1: 2 of 1,613,686 alleles (0.00012%); highest among the groups gnomAD compares: Non-Finnish European, 0.00017%; no homozygotes.

Submissions (2):

CeGaT Center for Human Genetics Tuebingen
Classification: Likely benign. Last evaluated: 2026-09-01. Review status: criteria provided, single submitter. Criteria: CeGaT Center For Human Genetics Tuebingen Variant Classification Criteria Version 2. Collection method: clinical testing. Allele origin: germline. Affected: yes. Observed: 1 variant allele.
Comment: TTN: BP4, BP7

Labcorp Genetics (formerly Invitae), Labcorp
Classification: Likely benign for Dilated cardiomyopathy 1G; Autosomal recessive limb-girdle muscular dystrophy type 2J. Last evaluated: 2024-02-22. Review status: criteria provided, single submitter. Criteria: Invitae Variant Classification Sherloc (09022015). Collection method: clinical testing. Allele origin: germline.